The following is an entry in ClinVar:

ClinVar aggregate classification (germline): Uncertain significance (1 of 4 stars; one submission).

Submission:

GeneDx
Classification: Uncertain significance. Last evaluated: 2017-12-04. Review status: criteria provided, single submitter. Criteria: GeneDx Variant Classification (06012015). Collection method: clinical testing. Allele origin: germline. Affected: yes.
Comment: p.Tyr1261Stop (TAT>TAA): c.3783 T>A in exon 31 of the ABCC9 gene (NM_020297.2). Although rare, mutations in the ABCC9 gene have been reported in association with dilated cardiomyopathy (Bienengraeber M et al., 2004). Missense mutations in the ABCC9 gene have also been reported in association with Cantu Syndrome, which is characterized by congenital hypertrichosis, neonatal macrosomia, osteochondrodysplasia, and cardiomegaly (Harakalova M et al., 2012; van Bon B et al. 2012). The Y1261X variant in the ABCC9 gene has not been reported as a disease-causing mutation or as a benign polymorphism to our knowledge. Y1261X is predicted to cause loss of normal protein function either by protein truncation or nonsense-mediated mRNA decay. However, the majority of disease-causing mutations in the ABCC9 gene are missense changes. Therefore, based on the currently available information, it is unclear whether this variant is a pathogenic mutation or a rare benign variant. The variant is found in CARDIOMYOPATHY panel(s).

NM_020297.4(ABCC9):c.3783T>A (p.Tyr1261Ter)

Genes: ABCC9 (ATP binding cassette subfamily C member 9; minus strand), KCNJ8-AS1 (KCNJ8 antisense RNA 1; plus strand). Cytogenetic location: 12p12.1.
Variant type: single nucleotide variant.
Coding change: c.3783T>A on transcript NM_020297.4 (MANE Select); coding-DNA position 3783, T replaced by A.
Protein change: p.Tyr1261Ter; replaces tyrosine 1261 with a stop codon.
Molecular consequence: nonsense.
Genome position (GRCh38, 1-based): chr12:21,817,296, A>T on the plus strand (T>A on the coding strand, the complement: ABCC9 is on the minus strand). VCF-style: chr12-21817296-A-T. GRCh37 (hg19) VCF-style: chr12-21970230-A-T.
Other names: p.Y1261X:TAT>TAA; c.3783T>A, p.Tyr1261Ter (NM_001377273.1, NM_005691.4); c.2916T>A, p.Tyr972Ter (NM_001377274.1); short protein forms Y1261*, Y972*.
Identifiers: ClinVar variation 201613 (VCV000201613.2), dbSNP rs794728953, ClinGen allele CA308170.